The following is an entry in ClinVar:

NM_001854.4(COL11A1):c.2276C>T (p.Pro759Leu)

Gene: COL11A1 (collagen type XI alpha 1 chain; minus strand). Cytogenetic location: 1p21.1.
Variant type: single nucleotide variant.
Coding change: c.2276C>T on transcript NM_001854.4 (MANE Select); coding-DNA position 2276, C replaced by T.
Protein change: p.Pro759Leu; replaces proline 759 with leucine.
Molecular consequence: missense variant. On other transcripts: non-coding transcript variant (1).
Genome position (GRCh38, 1-based): chr1:102,996,008, G>A on the plus strand (C>T on the coding strand, the complement: COL11A1 is on the minus strand). VCF-style: chr1-102996008-G-A. GRCh37 (hg19) VCF-style: chr1-103461564-G-A.
Other names: c.2159C>T, p.Pro720Leu (NM_001190709.2); c.2312C>T, p.Pro771Leu (NM_080629.3); c.1928C>T, p.Pro643Leu (NM_080630.4); short protein forms P643L, P720L, P759L, P771L.
Identifiers: ClinVar variation 1306648 (VCV001306648.11), dbSNP rs749290763, ClinGen allele CA974512.

ClinVar aggregate classification (germline): Uncertain significance. Review status: criteria provided, multiple submitters, no conflicts (2 of 4 stars). 5 submissions from 5 submitters: Uncertain significance (4). 1 of the submissions does not count toward it. Last evaluated 2026-06-28.

Conditions:
COL11A1-related disorder. Also called: COL11A1-related condition; COL11A1-related disorders.
Retinal dystrophy. Also called: Inherited retinal dystrophy. Identifiers: Orphanet 71862, MedGen C0854723, MeSH D058499, MONDO:0019118, HP:0000556.

Allele frequency attached by ClinVar (database versions not stated): gnomAD 0.00002 and 0.00003; gnomAD exomes 0.00002 and 0.00004; TOPMed 0.00002; ExAC 0.00006.
gnomAD v4.1: 41 of 1,613,200 alleles (0.0025%); highest among the groups gnomAD compares: African/African-American, 0.0053%; no homozygotes.

Submissions (5):

PreventionGenetics, part of Exact Sciences
Classification: Uncertain significance for COL11A1-related condition. Last evaluated: 2026-06-28. Review status: criteria provided, single submitter. Criteria: ACMG Guidelines, 2015. Collection method: clinical testing. Allele origin: germline.
Comment: The COL11A1 c.2276C>T variant is predicted to result in the amino acid substitution p.Pro759Leu. To our knowledge, this variant has not been reported in the literature. This variant is reported in 0.0070% of alleles in individuals of European (Non-Finnish) descent in gnomAD. At this time, the clinical significance of this variant is uncertain due to the absence of conclusive functional and genetic evidence.

Labcorp Genetics (formerly Invitae), Labcorp
Classification: Uncertain significance. Last evaluated: 2025-01-30. Review status: criteria provided, single submitter. Criteria: Invitae Variant Classification Sherloc (09022015). Collection method: clinical testing. Allele origin: germline.
Comment: This sequence change replaces proline, which is neutral and non-polar, with leucine, which is neutral and non-polar, at codon 759 of the COL11A1 protein (p.Pro759Leu). This variant is present in population databases (rs749290763, gnomAD 0.007%). This variant has not been reported in the literature in individuals affected with COL11A1-related conditions. ClinVar contains an entry for this variant (Variation ID: 1306648). Invitae Evidence Modeling of protein sequence and biophysical properties (such as structural, functional, and spatial information, amino acid conservation, physicochemical variation, residue mobility, and thermodynamic stability) indicates that this missense variant is expected to disrupt COL11A1 protein function with a positive predictive value of 80%. In summary, the available evidence is currently insufficient to determine the role of this variant in disease. Therefore, it has been classified as a Variant of Uncertain Significance.

Blueprint Genetics
Classification: Uncertain significance. Last evaluated: 2024-05-28. Review status: criteria provided, single submitter. Criteria: ACMG Guidelines, 2015. Collection method: clinical testing. Allele origin: germline.

GeneDx
Classification: Uncertain significance. Last evaluated: 2022-12-21. Review status: criteria provided, single submitter. Criteria: GeneDx Variant Classification Process June 2021. Collection method: clinical testing. Allele origin: germline. Affected: yes.
Comment: Has not been previously published as pathogenic or benign to our knowledge; In silico analysis supports that this missense variant has a deleterious effect on protein structure/function

Institute of Human Genetics, Univ. Regensburg, Univ. Regensburg
Classification: Uncertain significance for Retinal dystrophy. Last evaluated: 2022-01-01. Review status: no assertion criteria provided. Criteria: ACMG Guidelines, 2015. Collection method: clinical testing. Allele origin: germline. Affected: yes. Not counted in ClinVar's aggregate classification.